The following is an entry in ClinVar:

NM_004366.6(CLCN2):c.1334T>G (p.Met445Arg)

Gene: CLCN2 (chloride voltage-gated channel 2; minus strand). Cytogenetic location: 3q27.1.
Variant type: single nucleotide variant.
Coding change: c.1334T>G on transcript NM_004366.6 (MANE Select); coding-DNA position 1334, T replaced by G.
Protein change: p.Met445Arg; replaces methionine 445 with arginine.
Molecular consequence: missense variant.
Genome position (GRCh38, 1-based): chr3:184,354,966, A>C on the plus strand (T>G on the coding strand, the complement: CLCN2 is on the minus strand). VCF-style: chr3-184354966-A-C. GRCh37 (hg19) VCF-style: chr3-184072754-A-C.
Other names: c.1334T>G, p.Met445Arg (NM_001171087.3, NM_001171089.3); c.1202T>G, p.Met401Arg (NM_001171088.3); short protein forms M401R, M445R.
Identifiers: ClinVar variation 1370438 (VCV001370438.6), dbSNP rs1465053233, ClinGen allele CA355451198.
Genomic context (GRCh38, chr3:184,354,966, plus strand): 5'-ATGACAAAGACAGGCATGAAGGCCCCACAGGGAACTGGGATGGTGGTGGCCAGTGCAGAC[A>C]TCCAGAACTGCAGGCAGGGGGTGGTTCAAAGGCGAAGAGGCTCCACCTGGCCCCAGGCAG-3'
Protein context (NP_004357.3, residues 435-455): LVIFILMKFW[Met445Arg]SALATTIPVP

ClinVar aggregate classification (germline): Uncertain significance (1 of 4 stars; one submission).

Allele frequency attached by ClinVar (database versions not stated): TOPMed below 0.00001.

Submission:

Labcorp Genetics (formerly Invitae), Labcorp
Classification: Uncertain significance. Last evaluated: 2022-08-31. Review status: criteria provided, single submitter. Criteria: Invitae Variant Classification Sherloc (09022015). Collection method: clinical testing. Allele origin: germline.
Comment: Advanced modeling of protein sequence and biophysical properties (such as structural, functional, and spatial information, amino acid conservation, physicochemical variation, residue mobility, and thermodynamic stability) performed at Invitae indicates that this missense variant is expected to disrupt CLCN2 protein function. ClinVar contains an entry for this variant (Variation ID: 1370438). This variant has not been reported in the literature in individuals affected with CLCN2-related conditions. This variant is not present in population databases (gnomAD no frequency). This sequence change replaces methionine, which is neutral and non-polar, with arginine, which is basic and polar, at codon 445 of the CLCN2 protein (p.Met445Arg). In summary, the available evidence is currently insufficient to determine the role of this variant in disease. Therefore, it has been classified as a Variant of Uncertain Significance.